The following is an entry in ClinVar:

NM_001204.7(BMPR2):c.2881C>A (p.Gln961Lys)

Gene: BMPR2 (bone morphogenetic protein receptor type 2; plus strand). Cytogenetic location: 2q33.2.
Variant type: single nucleotide variant.
Coding change: c.2881C>A on transcript NM_001204.7 (MANE Select); coding-DNA position 2881, C replaced by A.
Protein change: p.Gln961Lys; replaces glutamine 961 with lysine.
Molecular consequence: missense variant.
Genome position (GRCh38, 1-based): chr2:202,559,710, C>A. VCF-style: chr2-202559710-C-A. GRCh37 (hg19) VCF-style: chr2-203424433-C-A.
Other names: short protein forms Q961K.
Identifiers: ClinVar variation 4867639 (VCV004867639.1).

ClinVar aggregate classification (germline): Uncertain significance (1 of 4 stars; one submission).

Conditions:
Inborn genetic diseases. Identifiers: MedGen C0950123, MeSH D030342.

Submission:

Ambry Genetics
Classification: Uncertain significance for Inborn genetic diseases. Last evaluated: 2026-05-18. Review status: criteria provided, single submitter. Criteria: Ambry Variant Classification Scheme 2023. Collection method: clinical testing. Allele origin: germline.
Comment: The p.Q961K variant (also known as c.2881C>A), located in coding exon 13 of the BMPR2 gene, results from a C to A substitution at nucleotide position 2881. The glutamine at codon 961 is replaced by lysine, an amino acid with similar properties. This amino acid position is conserved. In addition, this alteration is predicted to be tolerated by in silico analysis. Based on the available evidence, the clinical significance of this variant remains unclear.